The following is an entry in ClinVar:

NM_000540.3(RYR1):c.13237G>A (p.Gly4413Arg)

Gene: RYR1 (ryanodine receptor 1; plus strand). Cytogenetic location: 19q13.2.
Variant type: single nucleotide variant.
Coding change: c.13237G>A on transcript NM_000540.3 (MANE Select); coding-DNA position 13237, G replaced by A.
Protein change: p.Gly4413Arg; replaces glycine 4413 with arginine.
Molecular consequence: missense variant.
Genome position (GRCh38, 1-based): chr19:38,565,571, G>A. VCF-style: chr19-38565571-G-A. GRCh37 (hg19) VCF-style: chr19-39056211-G-A.
Other names: c.13222G>A, p.Gly4408Arg (NM_001042723.2); short protein forms G4408R, G4413R.
Identifiers: ClinVar variation 2143762 (VCV002143762.8), dbSNP rs898728509, ClinGen allele CA080820.

ClinVar aggregate classification (germline): Uncertain significance. Review status: criteria provided, multiple submitters, no conflicts (2 of 4 stars). 4 submissions from 4 submitters: Uncertain significance (4). Last evaluated 2024-11-24.

Conditions:
Inborn genetic diseases. Identifiers: MedGen C0950123, MeSH D030342.
RYR1-related disorder. Also called: RYR1-related condition; RYR1-related disorders. Identifiers: MedGen CN239331.

Allele frequency attached by ClinVar (database versions not stated): gnomAD exomes below 0.00001; gnomAD 0.00001; TOPMed 0.00002.
gnomAD v4.1: 3 of 1,475,996 alleles (0.0002%); highest among the groups gnomAD compares: African/African-American, 0.0044%; no homozygotes.

Submissions (4):

Ambry Genetics
Classification: Uncertain significance for Inborn genetic diseases. Last evaluated: 2024-11-24. Review status: criteria provided, single submitter. Criteria: Ambry Variant Classification Scheme 2023. Collection method: clinical testing. Allele origin: germline.

Labcorp Genetics (formerly Invitae), Labcorp
Classification: Uncertain significance for RYR1-related disorder. Last evaluated: 2024-02-24. Review status: criteria provided, single submitter. Criteria: Invitae Variant Classification Sherloc (09022015). Collection method: clinical testing. Allele origin: germline.
Comment: This sequence change replaces glycine, which is neutral and non-polar, with arginine, which is basic and polar, at codon 4413 of the RYR1 protein (p.Gly4413Arg). This variant is not present in population databases (gnomAD no frequency). This variant has not been reported in the literature in individuals affected with RYR1-related conditions. ClinVar contains an entry for this variant (Variation ID: 2143762). Advanced modeling of protein sequence and biophysical properties (such as structural, functional, and spatial information, amino acid conservation, physicochemical variation, residue mobility, and thermodynamic stability) performed at Invitae indicates that this missense variant is not expected to disrupt RYR1 protein function with a negative predictive value of 95%. In summary, the available evidence is currently insufficient to determine the role of this variant in disease. Therefore, it has been classified as a Variant of Uncertain Significance.

GeneDx
Classification: Uncertain significance. Last evaluated: 2023-03-01. Review status: criteria provided, single submitter. Criteria: GeneDx Variant Classification Process June 2021. Collection method: clinical testing. Allele origin: germline. Affected: yes.
Comment: Not observed at significant frequency in large population cohorts (gnomAD); In silico analysis supports that this missense variant does not alter protein structure/function; Has not been previously published as pathogenic or benign to our knowledge

Revvity Omics, Revvity
Classification: Uncertain significance. Last evaluated: 2020-09-02. Review status: criteria provided, single submitter. Criteria: ACMG Guidelines, 2015. Collection method: clinical testing. Allele origin: germline.